The following is an entry in ClinVar:

NC_000022.11:g.(?_29658157)_(29661364_?)del

Gene: NF2 (NF2, moesin-ezrin-radixin like (MERLIN) tumor suppressor; plus strand). Cytogenetic location: 22q12.2.
Variant type: Deletion.
Identifiers: ClinVar variation 830877 (VCV000830877.9).

ClinVar aggregate classification (germline): Pathogenic (1 of 4 stars; one submission).

Conditions:
Neurofibromatosis, type 2 (SWNV). Also called: BILATERAL ACOUSTIC NEUROFIBROMATOSIS; SCHWANNOMATOSIS, VESTIBULAR; NF2-Related Schwannomatosis. Identifiers: Orphanet 637, MedGen C0027832, MONDO:0007039, OMIM 101000. Disease mechanism: loss of function.

Submission:

Labcorp Genetics (formerly Invitae), Labcorp
Classification: Pathogenic for Neurofibromatosis, type 2. Last evaluated: 2019-10-03. Review status: criteria provided, single submitter. Criteria: Invitae Variant Classification Sherloc (09022015). Collection method: clinical testing. Allele origin: germline.
Comment: Loss-of-function variants in NF2 are known to be pathogenic (PMID: 9643284, 16983642). For these reasons, this variant has been classified as Pathogenic. This variant has not been reported in the literature in individuals with NF2-related conditions. This variant is an out-of-frame deletion of the genomic region encompassing exons 7-8 of the NF2 gene. This is expected to create a premature translational stop signal and result in an absent or disrupted protein product.

Literature cited by the submitters: PubMed 9643284; PubMed 16983642.